The following is an entry in ClinVar:

ClinVar aggregate classification (germline): Pathogenic. Review status: criteria provided, multiple submitters, no conflicts (2 of 4 stars). 3 submissions from 3 submitters: Pathogenic (3). Last evaluated 2025-03-10.

Conditions:
Sandhoff disease. Also called: Beta-hexosaminidase-beta-subunit deficiency; GM2 gangliosidosis, type 2; Total hexosaminidase deficiency; Sandhoff-Jatzkewitz-Pilz disease; GM2-GANGLIOSIDOSIS, TYPE II; HEXOSAMINIDASES A AND B DEFICIENCY. Identifiers: Orphanet 796, MedGen C0036161, MONDO:0010006, OMIM 268800.

Submissions (3):

Natera, Inc.
Classification: Pathogenic for Sandhoff disease. Last evaluated: 2025-03-10. Review status: criteria provided, single submitter. Criteria: Natera Variant Classification Schema (03/2026). Collection method: clinical testing. Allele origin: germline.
Comment: The c.782_785del variant in HEXB is a frameshift variant predicted to shift the reading frame beginning at codon 261 and leads to a stop codon 13 codons downstream. This variant is expected to result in nonsense mediated decay, truncation, or a dysfunctional protein product. This variant is rare in the general population with a frequency below the threshold expected for the associated phenotype(s). This variant has been observed in one or more individuals affected with the associated recessive disease, as either homozygous or compound heterozygous with a second variant (PMID: 1390948). Given the available evidence, this variant is classified as Pathogenic.

Fulgent Genetics
Classification: Pathogenic for Sandhoff disease. Last evaluated: 2022-03-09. Review status: criteria provided, single submitter. Criteria: ACMG Guidelines, 2015. Collection method: clinical testing. Allele origin: unknown.

Labcorp Genetics (formerly Invitae), Labcorp
Classification: Pathogenic for Sandhoff disease. Last evaluated: 2021-02-11. Review status: criteria provided, single submitter. Criteria: Invitae Variant Classification Sherloc (09022015). Collection method: clinical testing. Allele origin: germline.
Comment: For these reasons, this variant has been classified as Pathogenic. Loss-of-function variants in HEXB are known to be pathogenic (PMID: 7550345, 18758829). This variant has been observed as homozygous or in combination with another HEXB variant in individuals affected with Sandhoff disease (PMID: 22789865, 1390948). This variant is not present in population databases (ExAC no frequency). This sequence change creates a premature translational stop signal (p.Ser261Cysfs*13) in the HEXB gene. It is expected to result in an absent or disrupted protein product.

Literature cited by the submitters: PubMed 1390948 (cited by Natera, Inc. and Labcorp Genetics (formerly Invitae), Labcorp); PubMed 7550345 (cited by Labcorp Genetics (formerly Invitae), Labcorp); PubMed 18758829 (cited by Labcorp Genetics (formerly Invitae), Labcorp); PubMed 22789865 (cited by Labcorp Genetics (formerly Invitae), Labcorp).

NM_000521.4(HEXB):c.782_785del (p.Ser261fs)

Gene: HEXB (hexosaminidase subunit beta; plus strand). Cytogenetic location: 5q13.3.
Variant type: Deletion.
Coding change: c.782_785del on transcript NM_000521.4 (MANE Select); coding-DNA positions 782 to 785, 4 bases deleted (CTTT; older notation c.782_785delCTTT).
Protein change: p.Ser261fs; shifts the reading frame from serine 261.
Molecular consequence: frameshift variant.
Genome position (GRCh38, 1-based): chr5:74,713,516-74,713,519, CTTT deleted; deleting any 4 consecutive bases within chr5:74,713,514-74,713,519 gives the same sequence; the c. name uses the placement nearest the transcript's 3' end. VCF-style (leftmost placement, unchanged base first): chr5-74713513-ATTCT-A. GRCh37 (hg19) VCF-style: chr5-74009338-ATTCT-A.
Other names: c.107_110del, p.Ser36fs (NM_001292004.2); c.782_785del (NM_000521.3); short protein forms S261fs, S36fs.
Identifiers: ClinVar variation 1070645 (VCV001070645.12), dbSNP rs1312009126, ClinGen allele CA560366502.